The following is an entry in ClinVar:

NM_014639.4(SKIC3):c.2706T>G (p.Ala902=)

Gene: SKIC3 (SKI3 subunit of superkiller complex; minus strand). Cytogenetic location: 5q15.
Variant type: single nucleotide variant.
Coding change: c.2706T>G on transcript NM_014639.4 (MANE Select); coding-DNA position 2706, T replaced by G.
Protein change: p.Ala902=; no amino-acid change (alanine 902 retained).
Molecular consequence: synonymous variant.
Genome position (GRCh38, 1-based): chr5:95,513,643, A>C on the plus strand (T>G on the coding strand, the complement: SKIC3 is on the minus strand). VCF-style: chr5-95513643-A-C. GRCh37 (hg19) VCF-style: chr5-94849347-A-C.
Identifiers: ClinVar variation 5006937 (VCV005006937.2).
Genomic context (GRCh38, chr5:95,513,643, plus strand): 5'-TTCTGTAGTGTGCCTGAAGAGATCCATGGTGTCATAACTTCCAACTGCCTCAGCAATAAG[A>C]GCCTATAAAAGGAAAAAAACAGACTCTTAATGTGTTTAAAAGACAGTAACAATAATAATA-3'
Protein context (NP_055454.1, residues 892-912): PSYLMCWIGQ[Ala902=]LIAEAVGSYD

ClinVar aggregate classification (germline): Uncertain significance (1 of 4 stars; one submission).

Conditions:
Trichohepatoenteric syndrome 1 (THES1). Also called: DIARRHEA, FATAL INFANTILE, WITH TRICHORRHEXIS NODOSA. Identifiers: Orphanet 84064, MedGen C4551982, MONDO:0024541, OMIM 222470.

Submission:

Juno Genomics, Hangzhou Juno Genomics, Inc
Classification: Uncertain significance for Trichohepatoenteric syndrome 1. Review status: criteria provided, single submitter. Criteria: ACMG Guidelines, 2015. Collection method: clinical testing. Allele origin: germline.
Comment: Absent from controls (or at extremely low frequency if recessive) in Genome Aggregation Database.